The following is an entry in ClinVar:

ClinVar aggregate classification (germline): Uncertain significance (1 of 4 stars; one submission).

Conditions:
DICER1-related tumor predisposition. Also called: DICER1-related pleuropulmonary blastoma cancer predisposition syndrome; DICER1 syndrome. Identifiers: Orphanet 284343, MedGen C3839822, MONDO:0100216.

Submission:

Labcorp Genetics (formerly Invitae), Labcorp
Classification: Uncertain significance for DICER1-related tumor predisposition. Last evaluated: 2024-09-05. Review status: criteria provided, single submitter. Criteria: Invitae Variant Classification Sherloc (09022015). Collection method: clinical testing. Allele origin: germline.
Comment: This sequence change replaces valine, which is neutral and non-polar, with alanine, which is neutral and non-polar, at codon 97 of the DICER1 protein (p.Val97Ala). This variant is not present in population databases (gnomAD no frequency). This variant has not been reported in the literature in individuals affected with DICER1-related conditions. ClinVar contains an entry for this variant (Variation ID: 412036). Invitae Evidence Modeling of protein sequence and biophysical properties (such as structural, functional, and spatial information, amino acid conservation, physicochemical variation, residue mobility, and thermodynamic stability) indicates that this missense variant is not expected to disrupt DICER1 protein function with a negative predictive value of 80%. In summary, the available evidence is currently insufficient to determine the role of this variant in disease. Therefore, it has been classified as a Variant of Uncertain Significance.

NM_177438.3(DICER1):c.290T>C (p.Val97Ala)

Gene: DICER1 (dicer 1, ribonuclease III; minus strand). Cytogenetic location: 14q32.13.
Variant type: single nucleotide variant.
Coding change: c.290T>C on transcript NM_177438.3 (MANE Select); coding-DNA position 290, T replaced by C.
Protein change: p.Val97Ala; replaces valine 97 with alanine.
Molecular consequence: missense variant.
Genome position (GRCh38, 1-based): chr14:95,132,532, A>G on the plus strand (T>C on the coding strand, the complement: DICER1 is on the minus strand). VCF-style: chr14-95132532-A-G. GRCh37 (hg19) VCF-style: chr14-95598869-A-G.
Other names: c.290T>C, p.Val97Ala (NM_001195573.1, NM_001271282.3, NM_001291628.2 and 1 more transcripts); short protein forms V97A.
Identifiers: ClinVar variation 412036 (VCV000412036.10), dbSNP rs1060503582, ClinGen allele CA16614434.